The following is an entry in ClinVar:

NM_016507.4(CDK12):c.3712C>G (p.Pro1238Ala)

Gene: CDK12 (cyclin dependent kinase 12; plus strand). Cytogenetic location: 17q12.
Variant type: single nucleotide variant.
Coding change: c.3712C>G on transcript NM_016507.4 (MANE Select); coding-DNA position 3712, C replaced by G.
Protein change: p.Pro1238Ala; replaces proline 1238 with alanine.
Molecular consequence: missense variant.
Genome position (GRCh38, 1-based): chr17:39,526,268, C>G. VCF-style: chr17-39526268-C-G. GRCh37 (hg19) VCF-style: chr17-37682521-C-G.
Other names: c.3712C>G, p.Pro1238Ala (NM_015083.4); short protein forms P1238A.
Identifiers: ClinVar variation 3830366 (VCV003830366.1).

ClinVar aggregate classification (germline): Uncertain significance (1 of 4 stars; one submission).

Submission:

Ambry Genetics
Classification: Uncertain significance. Last evaluated: 2024-12-16. Review status: criteria provided, single submitter. Criteria: Ambry Variant Classification Scheme 2023. Collection method: clinical testing. Allele origin: germline.
Comment: The p.P1238A variant (also known as c.3712C>G), located in coding exon 13 of the CDK12 gene, results from a C to G substitution at nucleotide position 3712. The proline at codon 1238 is replaced by alanine, an amino acid with highly similar properties. This amino acid position is conserved. In addition, this alteration is predicted to be tolerated by in silico analysis. Based on the available evidence, the clinical significance of this variant remains unclear.